The following is an entry in ClinVar:

ClinVar aggregate classification (germline): Pathogenic (1 of 4 stars; one submission).

Conditions:
Intellectual developmental disorder, X-linked, syndromic, Claes-Jensen type. Also called: Syndromic X-linked intellectual disability Claes-Jensen type; INTELLECTUAL DEVELOPMENTAL DISORDER, X-LINKED, SYNDROMIC 16; MENTAL RETARDATION, X-LINKED, SYNDROMIC 16. Identifiers: Orphanet 85279, MedGen C1845243, MONDO:0010355, OMIM 300534.

Submission:

Gansu Provincial Maternity and Child Care Hospital
Classification: Pathogenic for Intellectual developmental disorder, X-linked, syndromic, Claes-Jensen type. Last evaluated: 2026-06-02. Review status: criteria provided, single submitter. Criteria: ACMG Guidelines, 2015. Collection method: clinical testing. Allele origin: de novo. Inheritance: X-linked recessive inheritance. Affected: yes.
Comment: The c.3353G>A variant is a nonsense variant (PVS1). Parental verification confirmed it as a de novo variant (PS2). This site is not recorded in the gnomAD database (PM2_supporting).This variant is classified as pathogenic.

NM_004187.5(KDM5C):c.3353G>A (p.Trp1118Ter)

Gene: KDM5C (lysine demethylase 5C; minus strand). Cytogenetic location: Xp11.22.
Variant type: single nucleotide variant.
Coding change: c.3353G>A on transcript NM_004187.5 (MANE Select); coding-DNA position 3353, G replaced by A.
Protein change: p.Trp1118Ter; replaces tryptophan 1118 with a stop codon.
Molecular consequence: nonsense. On other transcripts: non-coding transcript variant (3).
Genome position (GRCh38, 1-based): chrX:53,195,016, C>T on the plus strand (G>A on the coding strand, the complement: KDM5C is on the minus strand). VCF-style: chrX-53195016-C-T. GRCh37 (hg19) VCF-style: chrX-53224198-C-T.
Other names: c.3152G>A, p.Trp1051Ter (NM_001146702.2); c.3350G>A, p.Trp1117Ter (NM_001282622.3, NM_001353979.2, NM_001353982.2); c.3353G>A, p.Trp1118Ter (NM_001353978.3, NM_001353981.2, NM_001353984.2); short protein forms W1051*, W1117*, W1118*.
Identifiers: ClinVar variation 4856397 (VCV004856397.1).